The following is an entry in ClinVar:

ClinVar aggregate classification (germline): Benign/Likely benign. Review status: criteria provided, multiple submitters, no conflicts (2 of 4 stars). 12 submissions from 12 submitters: Benign (7); Likely benign (4). 1 of the submissions does not count toward it. Last evaluated 2026-09-01.

Conditions:
Inborn genetic diseases. Identifiers: MedGen C0950123, MeSH D030342.
Agenesis of the corpus callosum with peripheral neuropathy (ACCPN). Also called: HMSN/ACC; CHARLEVOIX DISEASE; POLYNEUROPATHY, SENSORIMOTOR, WITH OR WITHOUT AGENESIS OF THE CORPUS CALLOSUM; Hereditary Motor and Sensory Neuropathy with Agenesis of the Corpus Callosum. Identifiers: Orphanet 1496, MedGen C0795950, MONDO:0000902, OMIM 218000. Disease mechanism: loss of function.

Allele frequency attached by ClinVar (database versions not stated): 1000 Genomes Project 0.00240; 1000 Genomes Project 30x 0.00281; TOPMed 0.00589; gnomAD 0.00819 and 0.00836; ESP Exome Variant Server 0.00885; ExAC 0.00975; gnomAD exomes 0.00975 and 0.01039.
gnomAD v4.1: 13,416 of 1,327,978 alleles (1%); highest among the groups gnomAD compares: Non-Finnish European, 1.1%; 91 homozygotes.

Submissions (12):

CeGaT Center for Human Genetics Tuebingen
Classification: Benign. Last evaluated: 2026-09-01. Review status: criteria provided, single submitter. Criteria: CeGaT Center For Human Genetics Tuebingen Variant Classification Criteria Version 2. Collection method: clinical testing. Allele origin: germline. Affected: yes. Observed: 47 variant alleles.
Comment: SLC12A6: BP4, BP7, BS1, BS2

Labcorp Genetics (formerly Invitae), Labcorp
Classification: Benign. Last evaluated: 2026-02-04. Review status: criteria provided, single submitter. Criteria: Invitae Variant Classification Sherloc (09022015). Collection method: clinical testing. Allele origin: germline.

ARUP Laboratories, Molecular Genetics and Genomics, ARUP Laboratories
Classification: Benign. Last evaluated: 2025-03-14. Review status: criteria provided, single submitter. Criteria: ARUP Molecular Germline Variant Investigation Process 2024. Collection method: clinical testing. Allele origin: germline.

Blueprint Genetics
Classification: Likely benign. Last evaluated: 2024-11-27. Review status: criteria provided, single submitter. Criteria: ACMG Guidelines, 2015. Collection method: clinical testing. Allele origin: germline.

Ambry Genetics
Classification: Likely benign for Inborn genetic diseases. Last evaluated: 2022-03-12. Review status: criteria provided, single submitter. Criteria: Ambry Variant Classification Scheme 2023. Collection method: clinical testing. Allele origin: germline.

Genome-Nilou Lab
Classification: Benign for Agenesis of the corpus callosum with peripheral neuropathy. Last evaluated: 2021-07-22. Review status: criteria provided, single submitter. Criteria: ACMG Guidelines, 2015. Collection method: clinical testing. Allele origin: germline. Affected: no.

Pars Genome Lab
Classification: Benign for Agenesis of the corpus callosum with peripheral neuropathy. Last evaluated: 2021-05-18. Review status: criteria provided, single submitter. Criteria: ACMG Guidelines, 2015. Collection method: clinical testing. Allele origin: germline. Affected: no.

Illumina Laboratory Services, Illumina
Classification: Likely benign for Agenesis of the corpus callosum with peripheral neuropathy. Last evaluated: 2018-01-13. Review status: criteria provided, single submitter. Criteria: ICSL Variant Classification Criteria 13 December 2019. Collection method: clinical testing. Allele origin: germline.
Comment: This variant was observed in the ICSL laboratory as part of a predisposition screen in an ostensibly healthy population. It had not been previously curated by ICSL or reported in the Human Gene Mutation Database (HGMD: prior to June 1st, 2018), and was therefore a candidate for classification through an automated scoring system. Utilizing variant allele frequency, disease prevalence and penetrance estimates, and inheritance mode, an automated score was calculated to assess if this variant is too frequent to cause the disease. Based on the score and internal cut-off values, a variant classified as likely benign is not then subjected to further curation. The score for this variant resulted in a classification of likely benign for this disease.

Mayo Clinic Laboratories, Mayo Clinic
Classification: Benign. Last evaluated: 2016-10-28. Review status: criteria provided, single submitter. Criteria: ACMG Guidelines, 2015. Collection method: clinical testing. Allele origin: germline. Observed: 40 variant alleles.

GeneDx
Classification: Benign. Last evaluated: 2015-03-03. Review status: criteria provided, single submitter. Criteria: GeneDx Variant Classification Process June 2021. Collection method: clinical testing. Allele origin: germline. Affected: yes.

Breakthrough Genomics
Classification: Likely benign. Review status: criteria provided, single submitter. Criteria: ACMG Guidelines, 2015. Collection method: not provided. Allele origin: germline. Inheritance: Autosomal recessive inheritance. Affected: yes.

Natera, Inc.
Classification: Benign for Andermann syndrome. Last evaluated: 2020-04-18. Review status: no assertion criteria provided. Collection method: clinical testing. Allele origin: germline. Not counted in ClinVar's aggregate classification.

NM_001365088.1(SLC12A6):c.408T>C (p.Phe136=)

Gene: SLC12A6 (solute carrier family 12 member 6; minus strand). Cytogenetic location: 15q14.
Variant type: single nucleotide variant.
Coding change: c.408T>C on transcript NM_001365088.1 (MANE Select); coding-DNA position 408, T replaced by C.
Protein change: p.Phe136=; no amino-acid change (phenylalanine 136 retained).
Molecular consequence: synonymous variant.
Genome position (GRCh38, 1-based): chr15:34,260,929, A>G on the plus strand (T>C on the coding strand, the complement: SLC12A6 is on the minus strand). VCF-style: chr15-34260929-A-G. GRCh37 (hg19) VCF-style: chr15-34553130-A-G.
Other names: p.Phe136=; c.231T>C, p.Phe77= (NM_001042494.2, NM_001042495.2); c.381T>C, p.Phe127= (NM_001042496.2); c.363T>C, p.Phe121= (NM_001042497.2); c.255T>C, p.Phe85= (NM_005135.2); c.408T>C, p.Phe136= (NM_133647.2).
Identifiers: ClinVar variation 315623 (VCV000315623.60), dbSNP rs145186782, ClinGen allele CA7464580.